The following is an entry in ClinVar:

ClinVar aggregate classification (germline): Likely benign. Review status: criteria provided, multiple submitters, no conflicts (2 of 4 stars). 2 submissions from 2 submitters: Likely benign (2). Last evaluated 2025-07-10.

Submissions (2):

Mayo Clinic Laboratories, Mayo Clinic
Classification: Likely benign. Last evaluated: 2025-07-10. Review status: criteria provided, single submitter. Criteria: ACMG Guidelines, 2015. Collection method: clinical testing. Allele origin: germline. Observed: 2 variant alleles.
Comment: BP4, BP7

Labcorp Genetics (formerly Invitae), Labcorp
Classification: Likely benign. Last evaluated: 2024-07-08. Review status: criteria provided, single submitter. Criteria: Invitae Variant Classification Sherloc (09022015). Collection method: clinical testing. Allele origin: germline.

NM_006767.4(LZTR1):c.651+10G>A

Gene: LZTR1 (leucine zipper like post translational regulator 1; plus strand). Cytogenetic location: 22q11.21.
Variant type: single nucleotide variant.
Coding change: c.651+10G>A on transcript NM_006767.4 (MANE Select); 10 bases into the intron after coding-DNA position 651, G replaced by A.
Molecular consequence: intron variant.
Genome position (GRCh38, 1-based): chr22:20,989,692, G>A. VCF-style: chr22-20989692-G-A. GRCh37 (hg19) VCF-style: chr22-21343981-G-A.
Other names: p.?.
Identifiers: ClinVar variation 3697060 (VCV003697060.3).